The following is an entry in ClinVar:

NM_015488.5(PNKD):c.419C>T (p.Ala140Val)

Genes: CATIP-AS2 (CATIP antisense RNA 2; minus strand), PNKD (PNKD metallo-beta-lactamase domain containing; plus strand). Cytogenetic location: 2q35.
Variant type: single nucleotide variant.
Coding change: c.419C>T on transcript NM_015488.5 (MANE Select); coding-DNA position 419, C replaced by T.
Protein change: p.Ala140Val; replaces alanine 140 with valine.
Molecular consequence: missense variant.
Genome position (GRCh38, 1-based): chr2:218,340,095, C>T. VCF-style: chr2-218340095-C-T. GRCh37 (hg19) VCF-style: chr2-219204818-C-T.
Other names: c.347C>T, p.Ala116Val (NM_022572.5); short protein forms A116V, A140V.
Identifiers: ClinVar variation 1419315 (VCV001419315.8), dbSNP rs766237012, ClinGen allele CA2103942.

ClinVar aggregate classification (germline): Uncertain significance (1 of 4 stars; one submission).

Conditions:
Paroxysmal nonkinesigenic dyskinesia. Also called: Paroxysmal non-kinesigenic dyskinesia. Identifiers: Orphanet 98810, MedGen C1869117, MONDO:0700088.

Allele frequency attached by ClinVar (database versions not stated): ExAC 0.00001; gnomAD exomes 0.00001 and 0.00002; gnomAD 0.00002; TOPMed 0.00002.
gnomAD v4.1: 12 of 1,613,890 alleles (0.00074%); highest among the groups gnomAD compares: Non-Finnish European, 0.001%; no homozygotes.

Submission:

Labcorp Genetics (formerly Invitae), Labcorp
Classification: Uncertain significance for Paroxysmal nonkinesigenic dyskinesia. Last evaluated: 2025-05-22. Review status: criteria provided, single submitter. Criteria: Invitae Variant Classification Sherloc (09022015). Collection method: clinical testing. Allele origin: germline.
Comment: This sequence change replaces alanine, which is neutral and non-polar, with valine, which is neutral and non-polar, at codon 140 of the PNKD protein (p.Ala140Val). This variant is present in population databases (rs766237012, gnomAD 0.002%). This variant has not been reported in the literature in individuals affected with PNKD-related conditions. ClinVar contains an entry for this variant (Variation ID: 1419315). Invitae Evidence Modeling of protein sequence and biophysical properties (such as structural, functional, and spatial information, amino acid conservation, physicochemical variation, residue mobility, and thermodynamic stability) indicates that this missense variant is not expected to disrupt PNKD protein function with a negative predictive value of 80%. In summary, the available evidence is currently insufficient to determine the role of this variant in disease. Therefore, it has been classified as a Variant of Uncertain Significance.